The following is an entry in ClinVar:

NM_001009944.3(PKD1):c.1926del (p.Gly644fs)

Gene: PKD1 (polycystin 1, transient receptor potential channel interacting; minus strand). Cytogenetic location: 16p13.3.
Variant type: Deletion.
Coding change: c.1926del on transcript NM_001009944.3 (MANE Select); coding-DNA position 1926, one base deleted (A; older notation c.1926delA).
Protein change: p.Gly644fs; shifts the reading frame from glycine 644.
Molecular consequence: frameshift variant.
Genome position (GRCh38, 1-based): chr16:2,115,549, T deleted on the plus strand (A on the coding strand, the reverse complement: PKD1 is on the minus strand). VCF-style (leftmost placement, unchanged base first): chr16-2115548-CT-C. GRCh37 (hg19) VCF-style: chr16-2165549-CT-C.
Other names: c.1926delA (NM_001009944.3); c.1926del, p.Gly644fs (NM_000296.4); short protein forms G644fs.
Identifiers: ClinVar variation 3902605 (VCV003902605.1).
Genomic context (GRCh38, chr16:2,115,548, plus strand): 5'-GGGGGTGGCAGGAGGCGTCCAGCGGCAAGCAGATGTTGGCTCCAGGGCACCAGCGTCCCC[CT>C]GGCATGCACGCGGGGGCCAGCTGGGTCCTGTTGTCCGGGGACCTGCTCTCAGGCTCGCTG-3'

ClinVar aggregate classification (germline): Pathogenic (1 of 4 stars; one submission).

Conditions:
Polycystic kidney disease, adult type (PKD1). Also called: Polycystic Kidney Disease 1, Autosomal Dominant; Polycystic kidney disease 1; Polycystic kidney disease 1, severe; Polycystic Kidney, Autosomal Dominant; POLYCYSTIC KIDNEY DISEASE 1 WITH OR WITHOUT POLYCYSTIC LIVER DISEASE; POLYCYSTIC KIDNEY DISEASE, ADULT, TYPE I. Identifiers: MedGen C3149841, MONDO:0008263, OMIM 173900.

Submission:

Women's Health and Genetics/Laboratory Corporation of America, LabCorp
Classification: Pathogenic for Polycystic kidney disease, adult type. Last evaluated: 2025-05-01. Review status: criteria provided, single submitter. Criteria: LabCorp Variant Classification Summary - May 2015. Collection method: clinical testing. Allele origin: germline.
Comment: Variant summary: PKD1 c.1926delA (p.Gly644AspfsX141) results in a premature termination codon, predicted to cause a truncation of the encoded protein or absence of the protein due to nonsense mediated decay, which are commonly known mechanisms for disease. The variant was absent in 179164 control chromosomes. To our knowledge, no occurrence of c.1926delA in individuals affected with Polycystic Kidney Disease 1 and no experimental evidence demonstrating its impact on protein function have been reported. No submitters have cited clinical-significance assessments for this variant to ClinVar. Based on the evidence outlined above, the variant was classified as pathogenic.